The following is an entry in ClinVar:

ClinVar aggregate classification (germline): Uncertain significance. Review status: criteria provided, single submitter (1 of 4 stars). 2 submissions from 2 submitters: Uncertain significance (1). 1 of the submissions does not count toward it. Last evaluated 2022-10-03.

Conditions:
Ornithine carbamoyltransferase deficiency (OTCD). Also called: ORNITHINE TRANSCARBAMYLASE DEFICIENCY, HYPERAMMONEMIA DUE TO; ORNITHINE TRANSCARBAMYLASE DEFICIENCY; OTC DEFICIENCY; Ornithine Carbamoyltransferase Deficiency Disease. Identifiers: Orphanet 664, MedGen C0268542, MONDO:0010703, OMIM 311250.

Submissions (2):

Labcorp Genetics (formerly Invitae), Labcorp
Classification: Uncertain significance for Ornithine carbamoyltransferase deficiency. Last evaluated: 2022-10-03. Review status: criteria provided, single submitter. Criteria: Invitae Variant Classification Sherloc (09022015). Collection method: clinical testing. Allele origin: germline.
Comment: In summary, the available evidence is currently insufficient to determine the role of this variant in disease. Therefore, it has been classified as a Variant of Uncertain Significance. Variants that disrupt the consensus splice site are a relatively common cause of aberrant splicing (PMID: 17576681, 9536098). Algorithms developed to predict the effect of sequence changes on RNA splicing suggest that this variant may disrupt the consensus splice site. ClinVar contains an entry for this variant (Variation ID: 97317). This variant is also known as I1 IVS+5nt aag→aaa. This variant has been observed in individual(s) with ornithine transcarbamylase deficiency (PMID: 9266388). This variant is not present in population databases (gnomAD no frequency). This sequence change falls in intron 1 of the OTC gene. It does not directly change the encoded amino acid sequence of the OTC protein. It affects a nucleotide within the consensus splice site.

GenMed Metabolism Lab
Classification: Pathogenic. Review status: no assertion criteria provided. Collection method: not provided. Allele origin: unknown. Not counted in ClinVar's aggregate classification.
Comment: Neonatal, Donor splice site error
ClinVar note: Converted during submission from pathogenic to Pathogenic.

Literature cited by the submitters: PubMed 17576681 (cited by Labcorp Genetics (formerly Invitae), Labcorp); PubMed 9536098 (cited by Labcorp Genetics (formerly Invitae), Labcorp); PubMed 9266388 (cited by Labcorp Genetics (formerly Invitae), Labcorp).

NM_000531.6(OTC):c.77+5G>A

Gene: OTC (ornithine transcarbamylase; plus strand). Cytogenetic location: Xp11.4.
Variant type: single nucleotide variant.
Coding change: c.77+5G>A on transcript NM_000531.6 (MANE Select); 5 bases into the intron after coding-DNA position 77, G replaced by A.
Molecular consequence: intron variant.
Genome position (GRCh38, 1-based): chrX:38,352,778, G>A. VCF-style: chrX-38352778-G-A. GRCh37 (hg19) VCF-style: chrX-38212031-G-A.
Identifiers: ClinVar variation 97317 (VCV000097317.7), dbSNP rs72552302, ClinGen allele CA224777.